The following is an entry in ClinVar:

ClinVar aggregate classification (germline): Conflicting classifications of pathogenicity. Review status: criteria provided, conflicting classifications (1 of 4 stars). 2 submissions from 1 submitter: Uncertain significance (1); Likely benign (1). Last evaluated 2018-01-13.

Conditions:
Sacral defect with anterior meningocele. Identifiers: MedGen C1838568, OMIM 600145.
Neural tube defect (NTD). Also called: Neural tube defects. Identifiers: Orphanet 3388, Orphanet 823, MedGen C0027794, MONDO:0018075, HP:0045005.

Allele frequency attached by ClinVar (database versions not stated): 1000 Genomes Project 0.00080; 1000 Genomes Project 30x 0.00109; gnomAD 0.00127 and 0.00135; TOPMed 0.00149.

Submissions (2):

Illumina Laboratory Services, Illumina
Classification: Likely benign for Sacral defect with anterior meningocele. Last evaluated: 2018-01-13. Review status: criteria provided, single submitter. Criteria: ICSL Variant Classification Criteria 13 December 2019. Collection method: clinical testing. Allele origin: germline.
Comment: This variant was observed in the ICSL laboratory as part of a predisposition screen in an ostensibly healthy population. It had not been previously curated by ICSL or reported in the Human Gene Mutation Database (HGMD: prior to June 1st, 2018), and was therefore a candidate for classification through an automated scoring system. Utilizing variant allele frequency, disease prevalence and penetrance estimates, and inheritance mode, an automated score was calculated to assess if this variant is too frequent to cause the disease. Based on the score and internal cut-off values, a variant classified as likely benign is not then subjected to further curation. The score for this variant resulted in a classification of likely benign for this disease.

Illumina Laboratory Services, Illumina
Classification: Uncertain significance for Neural tube defects, susceptibility to. Last evaluated: 2018-01-13. Review status: criteria provided, single submitter. Criteria: ICSL Variant Classification Criteria 13 December 2019. Collection method: clinical testing. Allele origin: germline.

NM_138959.3(VANGL1):c.*5466G>A

Gene: VANGL1 (VANGL planar cell polarity protein 1; plus strand). Cytogenetic location: 1p13.1.
Variant type: single nucleotide variant.
Coding change: c.*5466G>A on transcript NM_138959.3 (MANE Select); 5466 bases downstream of the stop codon, G replaced by A.
Molecular consequence: 3 prime UTR variant.
Genome position (GRCh38, 1-based): chr1:115,696,845, G>A. VCF-style: chr1-115696845-G-A. GRCh37 (hg19) VCF-style: chr1-116239466-G-A.
Other names: c.*5466G>A (NM_001172411.2, NM_001172412.2).
Identifiers: ClinVar variation 292092 (VCV000292092.5), dbSNP rs192325588, ClinGen allele CA10607780.
Genomic context (GRCh38, chr1:115,696,845, plus strand): 5'-TCTTTCAATATGGCACCAAGACTCTACCATTTATGTCTCTCTCAGCTTACAAACATCAGC[G>A]TTTTGTCCTTGTCATAGTGGAAGAAAGACACTTACTTTAAGCTTTGGGGACAAAGGTGAC-3'